The following is an entry in ClinVar:

ClinVar aggregate classification (germline): Conflicting classifications of pathogenicity. Review status: criteria provided, conflicting classifications (1 of 4 stars). 2 submissions from 2 submitters: Uncertain significance (1); Likely benign (1). Last evaluated 2024-11-16.

Conditions:
Hereditary cancer-predisposing syndrome. Also called: Hereditary neoplastic syndrome; Neoplastic Syndromes, Hereditary; Tumor predisposition; Hereditary Cancer Syndrome. Identifiers: Orphanet 140162, MedGen C0027672, MeSH D009386, MONDO:0015356.
Familial cancer of breast. Also called: Hereditary breast cancer; BREAST CANCER, FAMILIAL; hereditary breast carcinoma. Identifiers: Orphanet 227535, MedGen C0346153, MONDO:0016419, OMIM 114480. Disease mechanism: loss of function.

Allele frequency attached by ClinVar (database versions not stated): gnomAD exomes below 0.00001.
gnomAD v4.1: 3 of 1,605,142 alleles (0.00019%); highest among the groups gnomAD compares: South Asian, 0.0011%; no homozygotes.

Submissions (2):

Labcorp Genetics (formerly Invitae), Labcorp
Classification: Likely benign for Familial cancer of breast. Last evaluated: 2024-11-16. Review status: criteria provided, single submitter. Criteria: Invitae Variant Classification Sherloc (09022015). Collection method: clinical testing. Allele origin: germline.

Ambry Genetics
Classification: Uncertain significance for Hereditary cancer-predisposing syndrome. Last evaluated: 2015-02-26. Review status: criteria provided, single submitter. Criteria: Ambry Variant Classification Scheme 2023. Collection method: clinical testing. Allele origin: germline.
Comment: The c.1903+16G>C intronic alteration consists of a G to C substitution 6 nucleotides after coding exon 9 in the BARD1 gene. Based on insufficient or conflicting evidence, the clinical significance of this alteration remains unclear.

NM_000465.4(BARD1):c.1903+16G>C

Gene: BARD1 (BRCA1 associated RING domain 1; minus strand). Cytogenetic location: 2q35.
Variant type: single nucleotide variant.
Coding change: c.1903+16G>C on transcript NM_000465.4 (MANE Select); 16 bases into the intron after coding-DNA position 1903, G replaced by C.
Molecular consequence: intron variant.
Genome position (GRCh38, 1-based): chr2:214,745,051, C>G on the plus strand (G>C on the coding strand, the complement: BARD1 is on the minus strand). VCF-style: chr2-214745051-C-G. GRCh37 (hg19) VCF-style: chr2-215609775-C-G.
Other names: c.493+16G>C (NM_001282548.2); c.1846+16G>C (NM_001282543.2); c.550+16G>C (NM_001282545.2); c.365-14543G>C (NM_001282549.2); c.1903+16G>C (NM_000465.2).
Identifiers: ClinVar variation 1668027 (VCV001668027.10), dbSNP rs1693032325, ClinGen allele CA2573135096.